The following is an entry in ClinVar:

NM_170606.3(KMT2C):c.8959G>A (p.Val2987Met)

Gene: KMT2C (lysine methyltransferase 2C; minus strand). Cytogenetic location: 7q36.1.
Variant type: single nucleotide variant.
Coding change: c.8959G>A on transcript NM_170606.3 (MANE Select); coding-DNA position 8959, G replaced by A.
Protein change: p.Val2987Met; replaces valine 2987 with methionine.
Molecular consequence: missense variant.
Genome position (GRCh38, 1-based): chr7:152,176,494, C>T on the plus strand (G>A on the coding strand, the complement: KMT2C is on the minus strand). VCF-style: chr7-152176494-C-T. GRCh37 (hg19) VCF-style: chr7-151873579-C-T.
Other names: short protein forms V2987M.
Identifiers: ClinVar variation 4698628 (VCV004698628.1).

ClinVar aggregate classification (germline): Uncertain significance (1 of 4 stars; one submission).

gnomAD v4.1: 4 of 1,614,024 alleles (0.00025%); highest among the groups gnomAD compares: South Asian, 0.0011%; no homozygotes.

Submission:

Labcorp Genetics (formerly Invitae), Labcorp
Classification: Uncertain significance. Last evaluated: 2025-08-15. Review status: criteria provided, single submitter. Criteria: Invitae Variant Classification Sherloc (09022015). Collection method: clinical testing. Allele origin: germline.
Comment: This sequence change replaces valine, which is neutral and non-polar, with methionine, which is neutral and non-polar, at codon 2987 of the KMT2C protein (p.Val2987Met). This variant is not present in population databases (gnomAD no frequency). This variant has not been reported in the literature in individuals affected with KMT2C-related conditions. Invitae Evidence Modeling of protein sequence and biophysical properties (such as structural, functional, and spatial information, amino acid conservation, physicochemical variation, residue mobility, and thermodynamic stability) indicates that this missense variant is not expected to disrupt KMT2C protein function with a negative predictive value of 80%. In summary, the available evidence is currently insufficient to determine the role of this variant in disease. Therefore, it has been classified as a Variant of Uncertain Significance.